The following is an entry in ClinVar:

NM_001377540.1(SLMAP):c.878A>G (p.Asn293Ser)

Gene: SLMAP (sarcolemma associated protein; plus strand). Cytogenetic location: 3p14.3.
Variant type: single nucleotide variant.
Coding change: c.878A>G on transcript NM_001377540.1 (MANE Select); coding-DNA position 878, A replaced by G.
Protein change: p.Asn293Ser; replaces asparagine 293 with serine.
Molecular consequence: missense variant. On other transcripts: non-coding transcript variant (1).
Genome position (GRCh38, 1-based): chr3:57,861,998, A>G. VCF-style: chr3-57861998-A-G. GRCh37 (hg19) VCF-style: chr3-57847725-A-G.
Other names: c.878A>G, p.Asn293Ser (NM_001304420.3, NM_001304421.2, NM_001377538.1 and 17 more transcripts); short protein forms N293S.
Identifiers: ClinVar variation 2419894 (VCV002419894.6), dbSNP rs1352585607, ClinGen allele CA353407898.

ClinVar aggregate classification (germline): Uncertain significance (1 of 4 stars; one submission).

Conditions:
Brugada syndrome. Also called: Sudden unexplained nocturnal death syndrome; Sudden unexpected nocturnal death syndrome; Sudden Unexplained Death Syndrome; Sudden Unexplained Nocturnal Death Syndrome (SUNDS). Identifiers: Orphanet 130, MedGen C1142166, MONDO:0015263.

Allele frequency attached by ClinVar (database versions not stated): TOPMed below 0.00001; gnomAD 0.00001; gnomAD exomes 0.00002.
gnomAD v4.1: 23 of 1,610,388 alleles (0.0014%); highest among the groups gnomAD compares: Non-Finnish European, 0.0019%; no homozygotes.

Submission:

Labcorp Genetics (formerly Invitae), Labcorp
Classification: Uncertain significance for Brugada syndrome. Last evaluated: 2022-03-27. Review status: criteria provided, single submitter. Criteria: Invitae Variant Classification Sherloc (09022015). Collection method: clinical testing. Allele origin: germline.
Comment: In summary, the available evidence is currently insufficient to determine the role of this variant in disease. Therefore, it has been classified as a Variant of Uncertain Significance. Algorithms developed to predict the effect of missense changes on protein structure and function (SIFT, PolyPhen-2, Align-GVGD) all suggest that this variant is likely to be tolerated. This variant has not been reported in the literature in individuals affected with SLMAP-related conditions. This variant is not present in population databases (gnomAD no frequency). This sequence change replaces asparagine, which is neutral and polar, with serine, which is neutral and polar, at codon 293 of the SLMAP protein (p.Asn293Ser).